The following is an entry in ClinVar:

NM_152296.5(ATP1A3):c.2328G>C (p.Glu776Asp)

Gene: ATP1A3 (ATPase Na+/K+ transporting subunit alpha 3; minus strand). Cytogenetic location: 19q13.2.
Variant type: single nucleotide variant.
Coding change: c.2328G>C on transcript NM_152296.5 (MANE Select); coding-DNA position 2328, G replaced by C.
Protein change: p.Glu776Asp; replaces glutamic acid 776 with aspartic acid.
Molecular consequence: missense variant.
Genome position (GRCh38, 1-based): chr19:41,970,478, C>G on the plus strand (G>C on the coding strand, the complement: ATP1A3 is on the minus strand). VCF-style: chr19-41970478-C-G. GRCh37 (hg19) VCF-style: chr19-42474630-C-G.
Other names: c.2361G>C, p.Glu787Asp (NM_001256213.2); c.2367G>C, p.Glu789Asp (NM_001256214.2); short protein forms E776D, E787D, E789D.
Identifiers: ClinVar variation 427156 (VCV000427156.2), dbSNP rs1085307992, ClinGen allele CA406039568.

ClinVar aggregate classification (germline): Likely pathogenic (1 of 4 stars; one submission).

Submission:

GeneDx
Classification: Likely pathogenic. Last evaluated: 2015-05-13. Review status: criteria provided, single submitter. Criteria: GeneDx Variant Classification (06012015). Collection method: clinical testing. Allele origin: germline. Affected: yes.
Comment: The E776D variant in the ATP1A3 gene has not been published as a pathogenic variant, nor has it been reported as a benign polymorphism to our knowledge. The E776D variant was not observed in approximately 6,500 individuals of European and African American ancestry in the NHLBI Exome Sequencing Project, indicating it is not a common benign variant in these populations. The E776D varian is a conservative amino acid substitution, which occurs at a position within a transmembrane domain that is conserved across species, and in silico analysis predicts this variant is probably damaging to the protein structure/function. Missense variants in nearby residues (N773I, N773S, and F780L) have been reported in the Human Gene Mutation Database in association with ATP1A3-related disorders (Stenson et al., 2014), supporting the functional importance of this region of the protein. The E776D variant, is a strong candidate for a disease-causing variant, . However, the possibility it may be a rare benign variant cannot be excluded